The following is an entry in ClinVar:

NM_003072.5(SMARCA4):c.4262C>T (p.Ser1421Phe)

Gene: SMARCA4 (SWI/SNF related BAF chromatin remodeling complex subunit ATPase 4; plus strand). Cytogenetic location: 19p13.2.
Variant type: single nucleotide variant.
Coding change: c.4262C>T on transcript NM_003072.5 (MANE Select); coding-DNA position 4262, C replaced by T.
Protein change: p.Ser1421Phe; replaces serine 1421 with phenylalanine.
Molecular consequence: missense variant. On other transcripts: non-coding transcript variant (1).
Genome position (GRCh38, 1-based): chr19:11,041,398, C>T. VCF-style: chr19-11041398-C-T. GRCh37 (hg19) VCF-style: chr19-11152074-C-T.
Other names: c.4358C>T, p.Ser1453Phe (NM_001387283.1, NM_001128849.3); c.4262C>T, p.Ser1421Phe (NM_001128844.3); c.4172C>T, p.Ser1391Phe (NM_001128845.2, NM_001128846.2); c.4163C>T, p.Ser1388Phe (NM_001128847.4, NM_001128848.2, NM_001374457.1); short protein forms S1453F, S1388F, S1391F, S1421F.
Identifiers: ClinVar variation 484879 (VCV000484879.16), dbSNP rs150958750, ClinGen allele CA9204688.

ClinVar aggregate classification (germline): Conflicting classifications of pathogenicity. Review status: criteria provided, conflicting classifications (1 of 4 stars). 5 submissions from 5 submitters: Uncertain significance (3); Likely benign (2). Last evaluated 2026-07-08.

Conditions:
Intellectual disability, autosomal dominant 16 (CSS4). Also called: COFFIN-SIRIS SYNDROME 4. Identifiers: Orphanet 1465, MedGen C3553249, MONDO:0013821, OMIM 614609.
Hereditary cancer-predisposing syndrome. Also called: Tumor predisposition; Neoplastic Syndromes, Hereditary; Hereditary Cancer Syndrome; Hereditary neoplastic syndrome. Identifiers: Orphanet 140162, MedGen C0027672, MeSH D009386, MONDO:0015356.
Rhabdoid tumor predisposition syndrome 2 (RTPS2). Identifiers: Orphanet 231108, Orphanet 69077, MedGen C2750074, MONDO:0013224, OMIM 613325.

Allele frequency attached by ClinVar (database versions not stated): gnomAD 0.00001; ESP Exome Variant Server 0.00008; gnomAD exomes 0.00001; TOPMed 0.00001; ExAC 0.00002.
gnomAD v4.1: 9 of 1,612,396 alleles (0.00056%); highest among the groups gnomAD compares: Non-Finnish European, 0.00076%; no homozygotes.

Submissions (5):

Myriad Genetics, Inc.
Classification: Likely benign for Rhabdoid tumor predisposition syndrome 2. Last evaluated: 2026-07-08. Review status: criteria provided, single submitter. Criteria: Myriad Autosomal Dominant, Autosomal Recessive and X-Linked Classification Criteria (2023). Collection method: clinical testing. Allele origin: unknown.
Comment: This variant is considered likely benign. This variant has been observed at a population frequency that is significantly greater than expected given the associated disease prevalence and penetrance.

Labcorp Genetics (formerly Invitae), Labcorp
Classification: Uncertain significance for Rhabdoid tumor predisposition syndrome 2. Last evaluated: 2025-05-11. Review status: criteria provided, single submitter. Criteria: Invitae Variant Classification Sherloc (09022015). Collection method: clinical testing. Allele origin: germline.
Comment: This sequence change replaces serine, which is neutral and polar, with phenylalanine, which is neutral and non-polar, at codon 1453 of the SMARCA4 protein (p.Ser1453Phe). This variant is present in population databases (rs150958750, gnomAD 0.003%). This variant has not been reported in the literature in individuals affected with SMARCA4-related conditions. ClinVar contains an entry for this variant (Variation ID: 484879). An algorithm developed to predict the effect of missense changes on protein structure and function (PolyPhen-2) suggests that this variant is likely to be tolerated. In summary, the available evidence is currently insufficient to determine the role of this variant in disease. Therefore, it has been classified as a Variant of Uncertain Significance.

GeneDx
Classification: Uncertain significance. Last evaluated: 2023-12-21. Review status: criteria provided, single submitter. Criteria: GeneDx Variant Classification Process June 2021. Collection method: clinical testing. Allele origin: germline. Affected: yes.
Comment: In silico analysis supports that this missense variant does not alter protein structure/function; Has not been previously published as pathogenic or benign to our knowledge; This variant is associated with the following publications: (PMID: 26934580)

Ambry Genetics
Classification: Likely benign for Hereditary cancer-predisposing syndrome. Last evaluated: 2023-05-10. Review status: criteria provided, single submitter. Criteria: Ambry Variant Classification Scheme 2023. Collection method: clinical testing. Allele origin: germline.

Genome-Nilou Lab
Classification: Uncertain significance for Intellectual disability, autosomal dominant 16. Last evaluated: 2021-07-15. Review status: criteria provided, single submitter. Criteria: ACMG Guidelines, 2015. Collection method: clinical testing. Allele origin: germline. Affected: no.